The following is an entry in ClinVar:

NM_000069.3(CACNA1S):c.197T>C (p.Val66Ala)

Gene: CACNA1S (calcium voltage-gated channel subunit alpha1 S; minus strand). Cytogenetic location: 1q32.1.
Variant type: single nucleotide variant.
Coding change: c.197T>C on transcript NM_000069.3 (MANE Select); coding-DNA position 197, T replaced by C.
Protein change: p.Val66Ala; replaces valine 66 with alanine.
Molecular consequence: missense variant.
Genome position (GRCh38, 1-based): chr1:201,110,225, A>G on the plus strand (T>C on the coding strand, the complement: CACNA1S is on the minus strand). VCF-style: chr1-201110225-A-G. GRCh37 (hg19) VCF-style: chr1-201079353-A-G.
Other names: short protein forms V66A.
Identifiers: ClinVar variation 1024205 (VCV001024205.12), dbSNP rs1663046954, ClinGen allele CA344156057.

ClinVar aggregate classification (germline): Uncertain significance. Review status: criteria provided, multiple submitters, no conflicts (2 of 4 stars). 3 submissions from 3 submitters: Uncertain significance (3). Last evaluated 2025-08-04.

Conditions:
Malignant hyperthermia, susceptibility to, 5 (MHS5). Also called: CACNA1S-Related Malignant Hyperthermia Susceptibility. Identifiers: Orphanet 423, MedGen C1866077, MONDO:0011163, OMIM 601887.
Hypokalemic periodic paralysis, type 1. Also called: HypoPP; Hypokalemic Periodic Paralysis Type 1 (AD). Identifiers: Orphanet 681, MedGen C3714580, MONDO:0042979, OMIM 170400.

gnomAD v4.1: 1 of 1,614,198 alleles (0.000062%); highest among the groups gnomAD compares: South Asian, 0.0011%; no homozygotes.

Submissions (3):

Color Diagnostics, LLC DBA Color Health
Classification: Uncertain significance for Malignant hyperthermia, susceptibility to, 5. Last evaluated: 2025-08-04. Review status: criteria provided, single submitter. Criteria: ACMG Guidelines, 2015. Collection method: clinical testing. Allele origin: germline.
Comment: This missense variant replaces valine with alanine at codon 66 of the CACNA1S protein. Computational prediction is inconclusive regarding the impact of this variant on protein structure and function. To our knowledge, functional studies have not been reported for this variant. This variant has not been reported in individuals affected with CACNA1S-related disorders in the literature. This variant has not been identified in the general population by the Genome Aggregation Database (gnomAD). The available evidence is insufficient to determine the role of this variant in disease conclusively. Therefore, this variant is classified as a Variant of Uncertain Significance.

All of Us Research Program, National Institutes of Health
Classification: Uncertain significance for Malignant hyperthermia, susceptibility to, 5. Last evaluated: 2024-05-09. Review status: criteria provided, single submitter. Criteria: ACMG Guidelines, 2015. Collection method: clinical testing. Allele origin: germline. Inheritance: Autosomal dominant inheritance. Observed: 3 variant alleles, 3 heterozygotes.
Comment: This missense variant replaces valine with alanine at codon 66 of the CACNA1S protein. Computational prediction is inconclusive regarding the impact of this variant on protein structure and function (internally defined REVEL score threshold 0.5 < inconclusive < 0.7, PMID: 27666373). To our knowledge, functional studies have not been reported for this variant. This variant has not been reported in individuals affected with CACNA1S-related disorders in the literature. This variant has not been identified in the general population by the Genome Aggregation Database (gnomAD). The available evidence is insufficient to determine the role of this variant in disease conclusively. Therefore, this variant is classified as a Variant of Uncertain Significance.

This study involves interpretation of variants in research participants for the purpose of population health screening. Participant phenotype was not available at the time of variant classification. Additional details can be found in publication PMID: 35346344, PMCID: PMC8962531

Labcorp Genetics (formerly Invitae), Labcorp
Classification: Uncertain significance for Hypokalemic periodic paralysis, type 1; Malignant hyperthermia, susceptibility to, 5. Last evaluated: 2021-05-18. Review status: criteria provided, single submitter. Criteria: Invitae Variant Classification Sherloc (09022015). Collection method: clinical testing. Allele origin: germline.
Comment: Advanced modeling of protein sequence and biophysical properties (such as structural, functional, and spatial information, amino acid conservation, physicochemical variation, residue mobility, and thermodynamic stability) performed at Invitae indicates that this missense variant is not expected to disrupt CACNA1S protein function. This variant has not been reported in the literature in individuals with CACNA1S-related conditions. This variant is not present in population databases (ExAC no frequency). This sequence change replaces valine with alanine at codon 66 of the CACNA1S protein (p.Val66Ala). The valine residue is moderately conserved and there is a small physicochemical difference between valine and alanine. In summary, the available evidence is currently insufficient to determine the role of this variant in disease. Therefore, it has been classified as a Variant of Uncertain Significance.